The following is an entry in ClinVar:

NM_133459.4(CCBE1):c.193G>A (p.Glu65Lys)

Gene: CCBE1 (collagen and calcium binding EGF domains 1; minus strand). Cytogenetic location: 18q21.32.
Variant type: single nucleotide variant.
Coding change: c.193G>A on transcript NM_133459.4 (MANE Select); coding-DNA position 193, G replaced by A.
Protein change: p.Glu65Lys; replaces glutamic acid 65 with lysine.
Molecular consequence: missense variant.
Genome position (GRCh38, 1-based): chr18:59,696,648, C>T on the plus strand (G>A on the coding strand, the complement: CCBE1 is on the minus strand). VCF-style: chr18-59696648-C-T. GRCh37 (hg19) VCF-style: chr18-57363880-C-T.
Other names: c.193G>A (NM_133459.3); short protein forms E65K.
Identifiers: ClinVar variation 1936529 (VCV001936529.4), dbSNP rs984126526, ClinGen allele CA301450660.
Genomic context (GRCh38, chr18:59,696,648, plus strand): 5'-GGTGCGCAGTGGCGAACAGCCCGCAGAGCCCCCAGGCTTACCTGTAGCATGTGGTGAGCT[C>T]GCCTGAAGACTTCAGACACGGGTATTTAGTCGTCGCGATTTTGCTCTCTGAGCAGATTTC-3'
Protein context (NP_597716.1, residues 55-75): TKYPCLKSSG[Glu65Lys]LTTCYRKKCC

ClinVar aggregate classification (germline): Uncertain significance. Review status: criteria provided, multiple submitters, no conflicts (2 of 4 stars). 2 submissions from 2 submitters: Uncertain significance (2). Last evaluated 2025-04-04.

Conditions:
Inborn genetic diseases. Identifiers: MedGen C0950123, MeSH D030342.

Allele frequency attached by ClinVar (database versions not stated): gnomAD exomes 0.00001; TOPMed 0.00001.
gnomAD v4.1: 3 of 1,614,022 alleles (0.00019%); highest among the groups gnomAD compares: Admixed American, 0.005%; no homozygotes.

Submissions (2):

Ambry Genetics
Classification: Uncertain significance for Inborn genetic diseases. Last evaluated: 2025-04-04. Review status: criteria provided, single submitter. Criteria: Ambry Variant Classification Scheme 2023. Collection method: clinical testing. Allele origin: germline.

Labcorp Genetics (formerly Invitae), Labcorp
Classification: Uncertain significance. Last evaluated: 2022-08-04. Review status: criteria provided, single submitter. Criteria: Invitae Variant Classification Sherloc (09022015). Collection method: clinical testing. Allele origin: germline.
Comment: In summary, the available evidence is currently insufficient to determine the role of this variant in disease. Therefore, it has been classified as a Variant of Uncertain Significance. Algorithms developed to predict the effect of missense changes on protein structure and function (SIFT, PolyPhen-2, Align-GVGD) all suggest that this variant is likely to be tolerated. This variant has not been reported in the literature in individuals affected with CCBE1-related conditions. This variant is present in population databases (no rsID available, gnomAD 0.006%). This sequence change replaces glutamic acid, which is acidic and polar, with lysine, which is basic and polar, at codon 65 of the CCBE1 protein (p.Glu65Lys).